The following is an entry in ClinVar:

NM_001382567.1(STIM1):c.1887G>C (p.Glu629Asp)

Genes: STIM1 (stromal interaction molecule 1; plus strand), LOC124418421 (Sharpr-MPRA regulatory region 9588; plus strand). Cytogenetic location: 11p15.4.
Variant type: single nucleotide variant.
Coding change: c.1887G>C on transcript NM_001382567.1 (MANE Select); coding-DNA position 1887, G replaced by C.
Protein change: p.Glu629Asp; replaces glutamic acid 629 with aspartic acid.
Molecular consequence: missense variant. On other transcripts: 3 prime UTR variant (4), non-coding transcript variant (3).
Genome position (GRCh38, 1-based): chr11:4,091,534, G>C. VCF-style: chr11-4091534-G-C. GRCh37 (hg19) VCF-style: chr11-4112764-G-C.
Other names: c.2112G>C, p.Glu704Asp (NM_001277961.3); c.*208G>C (NM_001277962.2, NM_001382578.1, NM_001382579.1 and 1 more transcripts); c.1890G>C, p.Glu630Asp (NM_001382566.1); c.1815G>C, p.Glu605Asp (NM_001382568.1); c.1659G>C, p.Glu553Asp (NM_001382569.1); c.1566G>C, p.Glu522Asp (NM_001382570.1); c.1314G>C, p.Glu438Asp (NM_001382571.1); c.1572G>C, p.Glu524Asp (NM_001382575.1, NM_001382576.1, NM_001382577.1); and 2 more; short protein forms E704D, E598D, E435D, E438D, E522D, E524D, E553D, E605D.
Identifiers: ClinVar variation 649990 (VCV000649990.11), dbSNP rs199874116, ClinGen allele CA216534080.

ClinVar aggregate classification (germline): Uncertain significance (1 of 4 stars; one submission).

Conditions:
Combined immunodeficiency due to STIM1 deficiency. Also called: IMMUNODEFICIENCY 10; STIM1 DEFICIENCY. Identifiers: Orphanet 169090, Orphanet 317430, MedGen C2748557, MONDO:0013008, OMIM 612783.
Stormorken syndrome (STRMK). Also called: THROMBOCYTOPATHY, ASPLENIA, AND MIOSIS. Identifiers: Orphanet 3204, MedGen C1861451, MONDO:0008497, OMIM 185070.
Myopathy with tubular aggregates (TAM). Also called: Tubular Aggregate Myopathy. Identifiers: Orphanet 2593, MedGen C0410207, MONDO:0008051.

Allele frequency attached by ClinVar (database versions not stated): gnomAD exomes 0.00001; TOPMed below 0.00001.
gnomAD v4.1: 9 of 1,614,202 alleles (0.00056%); highest among the groups gnomAD compares: Non-Finnish European, 0.00068%; no homozygotes.

Submission:

Labcorp Genetics (formerly Invitae), Labcorp
Classification: Uncertain significance for Myopathy with tubular aggregates; Combined immunodeficiency due to STIM1 deficiency; Stormorken syndrome. Last evaluated: 2025-02-10. Review status: criteria provided, single submitter. Criteria: Invitae Variant Classification Sherloc (09022015). Collection method: clinical testing. Allele origin: germline.
Comment: This sequence change replaces glutamic acid, which is acidic and polar, with aspartic acid, which is acidic and polar, at codon 598 of the STIM1 protein (p.Glu598Asp). This variant is not present in population databases (gnomAD no frequency). This variant has not been reported in the literature in individuals affected with STIM1-related conditions. ClinVar contains an entry for this variant (Variation ID: 649990). Invitae Evidence Modeling of protein sequence and biophysical properties (such as structural, functional, and spatial information, amino acid conservation, physicochemical variation, residue mobility, and thermodynamic stability) has been performed for this missense variant. However, the output from this modeling did not meet the statistical confidence thresholds required to predict the impact of this variant on STIM1 protein function. In summary, the available evidence is currently insufficient to determine the role of this variant in disease. Therefore, it has been classified as a Variant of Uncertain Significance.